The following is an entry in ClinVar:

NM_003673.4(TCAP):c.305C>T (p.Thr102Ile)

Gene: TCAP (titin-cap; plus strand). Cytogenetic location: 17q12.
Variant type: single nucleotide variant.
Coding change: c.305C>T on transcript NM_003673.4 (MANE Select); coding-DNA position 305, C replaced by T.
Protein change: p.Thr102Ile; replaces threonine 102 with isoleucine.
Molecular consequence: missense variant.
Genome position (GRCh38, 1-based): chr17:39,665,910, C>T. VCF-style: chr17-39665910-C-T. GRCh37 (hg19) VCF-style: chr17-37822163-C-T.
Other names: short protein forms T102I.
Identifiers: ClinVar variation 2447687 (VCV002447687.6), dbSNP rs1253844510, ClinGen allele CA399305016.

ClinVar aggregate classification (germline): Uncertain significance. Review status: criteria provided, multiple submitters, no conflicts (2 of 4 stars). 3 submissions from 3 submitters: Uncertain significance (3). Last evaluated 2025-08-30.

Conditions:
Cardiovascular phenotype. Identifiers: MedGen CN230736.
Primary familial hypertrophic cardiomyopathy (HCM). Identifiers: Orphanet 99739, MedGen C0949658, MeSH D024741, MONDO:0024573. Inheritance: Various modes of inheritance.
Hypertrophic cardiomyopathy 25 (CMH25). Also called: CARDIOMYOPATHY, FAMILIAL HYPERTROPHIC, 25. Identifiers: MedGen C4225408, MONDO:0011843, OMIM 607487.

Allele frequency attached by ClinVar (database versions not stated): gnomAD exomes below 0.00001; TOPMed below 0.00001.

Submissions (3):

Ambry Genetics
Classification: Uncertain significance for Cardiovascular phenotype. Last evaluated: 2025-08-30. Review status: criteria provided, single submitter. Criteria: Ambry Variant Classification Scheme 2023. Collection method: clinical testing. Allele origin: germline.
Comment: The p.T102I variant (also known as c.305C>T), located in coding exon 2 of the TCAP gene, results from a C to T substitution at nucleotide position 305. The threonine at codon 102 is replaced by isoleucine, an amino acid with similar properties. This amino acid position is conserved. In addition, this alteration is predicted to be tolerated by in silico analysis. Since supporting evidence is limited at this time, the clinical significance of this alteration remains unclear.

Labcorp Genetics (formerly Invitae), Labcorp
Classification: Uncertain significance for Hypertrophic cardiomyopathy 25; Primary familial hypertrophic cardiomyopathy. Last evaluated: 2025-02-06. Review status: criteria provided, single submitter. Criteria: Invitae Variant Classification Sherloc (09022015). Collection method: clinical testing. Allele origin: germline.
Comment: This sequence change replaces threonine, which is neutral and polar, with isoleucine, which is neutral and non-polar, at codon 102 of the TCAP protein (p.Thr102Ile). This variant is present in population databases (no rsID available, gnomAD no frequency). This variant has not been reported in the literature in individuals affected with TCAP-related conditions. ClinVar contains an entry for this variant (Variation ID: 2447687). An algorithm developed to predict the effect of missense changes on protein structure and function (PolyPhen-2) suggests that this variant is likely to be tolerated. In summary, the available evidence is currently insufficient to determine the role of this variant in disease. Therefore, it has been classified as a Variant of Uncertain Significance.

Blueprint Genetics
Classification: Uncertain significance. Last evaluated: 2024-04-23. Review status: criteria provided, single submitter. Criteria: ACMG Guidelines, 2015. Collection method: clinical testing. Allele origin: germline.